The following is an entry in ClinVar:

ClinVar aggregate classification (germline): Likely benign. Review status: criteria provided, multiple submitters, no conflicts (2 of 4 stars). 3 submissions from 3 submitters: Likely benign (2). 1 of the submissions does not count toward it. Last evaluated 2025-12-24.

Conditions:
Gorlin syndrome. Also called: Basal cell nevus syndrome; Nevoid Basal Cell Carcinoma Syndrome. Identifiers: Orphanet 377, MedGen C0004779, MONDO:0007187.
PTCH2-related disorder. Also called: PTCH2-related condition; PTCH2-related disease.

Allele frequency attached by ClinVar (database versions not stated): gnomAD 0.00002; TOPMed 0.00004.
gnomAD v4.1: 54 of 1,612,508 alleles (0.0033%); highest among the groups gnomAD compares: Non-Finnish European, 0.0045%; no homozygotes.

Submissions (3):

Labcorp Genetics (formerly Invitae), Labcorp
Classification: Likely benign for Gorlin syndrome. Last evaluated: 2025-12-24. Review status: criteria provided, single submitter. Criteria: Invitae Variant Classification Sherloc (09022015). Collection method: clinical testing. Allele origin: germline.

CeGaT Center for Human Genetics Tuebingen
Classification: Likely benign. Last evaluated: 2022-08-01. Review status: criteria provided, single submitter. Criteria: CeGaT Center For Human Genetics Tuebingen Variant Classification Criteria Version 2. Collection method: clinical testing. Allele origin: germline. Affected: yes. Observed: 1 variant allele.
Comment: PTCH2: BP4, BP7

PreventionGenetics, part of Exact Sciences
Classification: Likely benign for PTCH2-related condition. Last evaluated: 2023-05-03. Review status: no assertion criteria provided. Collection method: clinical testing. Allele origin: germline. Not counted in ClinVar's aggregate classification.
Comment: This variant is classified as likely benign based on ACMG/AMP sequence variant interpretation guidelines (Richards et al. 2015 PMID: 25741868, with internal and published modifications).

NM_003738.5(PTCH2):c.1476C>A (p.Gly492=)

Gene: PTCH2 (patched 2; minus strand). Cytogenetic location: 1p34.1.
Variant type: single nucleotide variant.
Coding change: c.1476C>A on transcript NM_003738.5 (MANE Select); coding-DNA position 1476, C replaced by A.
Protein change: p.Gly492=; no amino-acid change (glycine 492 retained).
Molecular consequence: synonymous variant.
Genome position (GRCh38, 1-based): chr1:44,828,620, G>T on the plus strand (C>A on the coding strand, the complement: PTCH2 is on the minus strand). VCF-style: chr1-44828620-G-T. GRCh37 (hg19) VCF-style: chr1-45294292-G-T.
Other names: c.1476C>A (NM_003738.4); c.1476C>A, p.Gly492= (NM_001166292.2).
Identifiers: ClinVar variation 1081490 (VCV001081490.34), dbSNP rs569864866, ClinGen allele CA823293.
Genomic context (GRCh38, chr1:44,828,620, plus strand): 5'-GGCGGCCATGTTGTTGATGGATGTGAGTACGACACTGGTGCCCGTGCGCTGCAGACACTC[G>T]CCCATGCGCTCCTGCCAGGACAGAGTGGGGACCTGCCCTCAGGTCACAAGGGAGGGGCCG-3'
Protein context (NP_003729.3, residues 482-502): LPGTPLQERM[Gly492=]ECLQRTGTSV